The following is an entry in ClinVar:

NM_005633.4(SOS1):c.3948C>G (p.His1316Gln)

Gene: SOS1 (SOS Ras/Rac guanine nucleotide exchange factor 1; minus strand). Cytogenetic location: 2p22.1.
Variant type: single nucleotide variant.
Coding change: c.3948C>G on transcript NM_005633.4 (MANE Select); coding-DNA position 3948, C replaced by G.
Protein change: p.His1316Gln; replaces histidine 1316 with glutamine.
Molecular consequence: missense variant.
Genome position (GRCh38, 1-based): chr2:38,985,878, G>C on the plus strand (C>G on the coding strand, the complement: SOS1 is on the minus strand). VCF-style: chr2-38985878-G-C. GRCh37 (hg19) VCF-style: chr2-39213019-G-C.
Other names: c.3927C>G, p.His1309Gln (NM_001382394.1); c.3903C>G, p.His1301Gln (NM_001382395.1); short protein forms H1309Q, H1301Q, H1316Q.
Identifiers: ClinVar variation 1736394 (VCV001736394.7), dbSNP rs1399242305, ClinGen allele CA346361977.

ClinVar aggregate classification (germline): Conflicting classifications of pathogenicity. Review status: criteria provided, conflicting classifications (1 of 4 stars). 2 submissions from 2 submitters: Uncertain significance (1); Likely benign (1). Last evaluated 2025-08-11.

Conditions:
Cardiovascular phenotype. Identifiers: MedGen CN230736.
RASopathy. Also called: rasopathies; Noonan spectrum disorder. Identifiers: Orphanet 536391, MedGen C5555857, MONDO:0021060.

Allele frequency attached by ClinVar (database versions not stated): TOPMed below 0.00001; gnomAD 0.00001.
gnomAD v4.1: 3 of 1,613,810 alleles (0.00019%); highest among the groups gnomAD compares: Non-Finnish European, 0.00025%; no homozygotes.

Submissions (2):

Labcorp Genetics (formerly Invitae), Labcorp
Classification: Likely benign for RASopathy. Last evaluated: 2025-08-11. Review status: criteria provided, single submitter. Criteria: Invitae Variant Classification Sherloc (09022015). Collection method: clinical testing. Allele origin: germline.

Ambry Genetics
Classification: Uncertain significance for Cardiovascular phenotype. Last evaluated: 2021-01-22. Review status: criteria provided, single submitter. Criteria: Ambry Variant Classification Scheme 2023. Collection method: clinical testing. Allele origin: germline.
Comment: The p.H1316Q variant (also known as c.3948C>G), located in coding exon 23 of the SOS1 gene, results from a C to G substitution at nucleotide position 3948. The histidine at codon 1316 is replaced by glutamine, an amino acid with highly similar properties. This amino acid position is highly conserved in available vertebrate species. In addition, this alteration is predicted to be tolerated by in silico analysis. Since supporting evidence is limited at this time, the clinical significance of this alteration remains unclear.